The following is an entry in ClinVar:

NM_000382.3(ALDH3A2):c.522_523del (p.Lys175fs)

Gene: ALDH3A2 (aldehyde dehydrogenase 3 family member A2; plus strand). Cytogenetic location: 17p11.2.
Variant type: Deletion.
Coding change: c.522_523del on transcript NM_000382.3 (MANE Select); coding-DNA positions 522 to 523, 2 bases deleted (GA; older notation c.522_523delGA).
Protein change: p.Lys175fs; shifts the reading frame from lysine 175.
Molecular consequence: frameshift variant. On other transcripts: 5 prime UTR variant (1).
Genome position (GRCh38, 1-based): chr17:19,656,416-19,656,417, GA deleted. VCF-style (leftmost placement, unchanged base first): chr17-19656415-TGA-T. GRCh37 (hg19) VCF-style: chr17-19559728-TGA-T.
Other names: c.522_523del, p.Lys175fs (NM_001031806.2, NM_001369136.1, NM_001369137.2 and 3 more transcripts); c.-58_-57del (NM_001369148.2); short protein forms K175fs.
Identifiers: ClinVar variation 1724216 (VCV001724216.2), dbSNP rs2544371605, ClinGen allele CA2580092740.

ClinVar aggregate classification (germline): Likely pathogenic (1 of 4 stars; one submission).

Conditions:
Sjögren-Larsson syndrome (SLS). Also called: FALDH DEFICIENCY; FATTY ALCOHOL:NAD+ OXIDOREDUCTASE DEFICIENCY; FATTY ALDEHYDE DEHYDROGENASE DEFICIENCY; ICHTHYOSIS, SPASTIC NEUROLOGIC DISORDER, AND OLIGOPHRENIA. Identifiers: Orphanet 816, MedGen C0037231, MONDO:0010031, OMIM 270200.

Submission:

Myriad Genetics, Inc.
Classification: Likely pathogenic for Sjögren-Larsson syndrome. Last evaluated: 2022-02-02. Review status: criteria provided, single submitter. Criteria: Myriad Women's Health Autosomal Recessive and X-Linked Classification Criteria (2021). Collection method: clinical testing. Allele origin: unknown.
Comment: NM_000382.2(ALDH3A2):c.522_523delGA(K175Afs*4) is expected to be pathogenic in the context of Sjogren-Larsson syndrome. This variant is predicted to lead to an abnormal or absent protein product due to the creation of a premature termination codon in ALDH3A2, a gene where loss-of-function variants are known to be pathogenic. Please note: this variant was assessed in the context of healthy population screening.